The following is an entry in ClinVar:

ClinVar aggregate classification (germline): Uncertain significance (1 of 4 stars; one submission).

Conditions:
Inborn genetic diseases. Identifiers: MedGen C0950123, MeSH D030342.

Submission:

Ambry Genetics
Classification: Uncertain significance for Inborn genetic diseases. Last evaluated: 2026-08-23. Review status: criteria provided, single submitter. Criteria: Ambry Variant Classification Scheme 2023. Collection method: clinical testing. Allele origin: germline.
Comment: The p.S271N variant (also known as c.812G>A), located in coding exon 5 of the ETV6 gene, results from a G to A substitution at nucleotide position 812. The serine at codon 271 is replaced by asparagine, an amino acid with highly similar properties. This amino acid position is conserved. In addition, this alteration is predicted to be tolerated by in silico analysis. Based on the available evidence, the clinical significance of this variant remains unclear.

NM_001987.5(ETV6):c.812G>A (p.Ser271Asn)

Gene: ETV6 (ETS variant transcription factor 6; plus strand). Cytogenetic location: 12p13.2.
Variant type: single nucleotide variant.
Coding change: c.812G>A on transcript NM_001987.5 (MANE Select); coding-DNA position 812, G replaced by A.
Protein change: p.Ser271Asn; replaces serine 271 with asparagine.
Molecular consequence: missense variant.
Genome position (GRCh38, 1-based): chr12:11,869,772, G>A. VCF-style: chr12-11869772-G-A. GRCh37 (hg19) VCF-style: chr12-12022706-G-A.
Other names: c.809G>A, p.Ser270Asn (NM_001413913.1); c.785G>A, p.Ser262Asn (NM_001413914.1); c.548G>A, p.Ser183Asn (NM_001413915.1); c.812G>A, p.Ser271Asn (NM_001413916.1, NM_001413917.1); short protein forms S183N, S262N, S270N, S271N.
Identifiers: ClinVar variation 5036220 (VCV005036220.1).